The following is an entry in ClinVar:

ClinVar aggregate classification (germline): Likely benign. Review status: criteria provided, multiple submitters, no conflicts (2 of 4 stars). 4 submissions from 4 submitters: Likely benign (4). Last evaluated 2026-01-06.

Conditions:
Hereditary cancer-predisposing syndrome. Also called: Neoplastic Syndromes, Hereditary; Tumor predisposition; Hereditary neoplastic syndrome; Hereditary Cancer Syndrome. Identifiers: Orphanet 140162, MedGen C0027672, MeSH D009386, MONDO:0015356.
Hereditary breast ovarian cancer syndrome. Also called: Hereditary breast and ovarian cancer syndrome; Hereditary breast and ovarian cancer; Hereditary breast and ovarian cancer syndrome (HBOC); Breast and ovarian cancer; Hereditary breast and/or ovarian cancer syndrome; BRCA1- and BRCA2-Associated Hereditary Breast and Ovarian Cancer. Identifiers: Orphanet 145, MedGen C0677776, MeSH D061325, MONDO:0003582. Disease mechanism: loss of function.

gnomAD v4.1: 1 of 1,613,904 alleles (0.000062%); no homozygotes.

Submissions (4):

Labcorp Genetics (formerly Invitae), Labcorp
Classification: Likely benign for Hereditary breast ovarian cancer syndrome. Last evaluated: 2026-01-06. Review status: criteria provided, single submitter. Criteria: Invitae Variant Classification Sherloc (09022015). Collection method: clinical testing. Allele origin: germline.

Molecular Diagnostics Laboratory, Catalan Institute of Oncology
Classification: Likely benign for Hereditary cancer-predisposing syndrome. Last evaluated: 2025-05-06. Review status: criteria provided, single submitter. Criteria: ClinGen BRCA1BRCA2 ACMG Specifications BRCA1 V1.0.0. Collection method: clinical testing. Allele origin: germline.
Comment: PM2_Supporting, BP4, BP7 c.4096+15T>C is an intronic variant not very close to a canonical splice site, where the SpliceAI algorithm predicts no significant impact on splicing (BP4 and BP7). It is not present in the population database gnomAD v2.1.1, non-cancer dataset (PM2_Supporting). To our knowledge, neither relevant clinical data nor well-established functional studies have been reported for this variant. This variant has been reported in the ClinVar database (3x likely benign) and in LOVD (1x uncertain significance), it has not yet been revised by the expert panel in BRCA Exchange database. Based on currently available information, the variant c.4096+15T>C should be considered a likely benign variant according to ClinGen ENIGMA BRCA1 and BRCA2 Expert Panel Specifications to the ACMG/AMP Variant Interpretation Guidelines for BRCA1 Version 1.0.0.

Women's Health and Genetics/Laboratory Corporation of America, LabCorp
Classification: Likely benign. Last evaluated: 2020-02-24. Review status: criteria provided, single submitter. Criteria: LabCorp Variant Classification Summary - May 2015. Collection method: clinical testing. Allele origin: germline.
Comment: Variant summary: BRCA1 c.4096+15T>C alters a non-conserved nucleotide located close to a canonical splice site and therefore could affect mRNA splicing, leading to a significantly altered protein sequence. 4/4 computational tools predict no significant impact on normal splicing. However, these predictions have yet to be confirmed by functional studies. The variant was absent in 250808 control chromosomes. The available data on variant occurrences in the general population are insufficient to allow any conclusion about variant significance. To our knowledge, no occurrence of c.4096+15T>C in individuals affected with Hereditary Breast and Ovarian Cancer and no experimental evidence demonstrating its impact on protein function have been reported. One report of its occurrence in a patient with breast cancer as part of a method validation study reported it as a "polymorphism" (Velasco_2005)(under an alternate legacy name c.4215+15T>C). Two clinical diagnostic laboratories have submitted clinical-significance assessments for this variant to ClinVar after 2014 without evidence for independent evaluation. Both laboratories classified the variant as benign/likely benign. Based on the evidence outlined above, the variant was classified as likely benign.

Color Diagnostics, LLC DBA Color Health
Classification: Likely benign for Hereditary cancer-predisposing syndrome. Last evaluated: 2018-06-06. Review status: criteria provided, single submitter. Criteria: ACMG Guidelines, 2015. Collection method: clinical testing. Allele origin: germline.

Literature cited by the submitters: PubMed 15937982 (cited by Women's Health and Genetics/Laboratory Corporation of America, LabCorp).

NM_007294.4(BRCA1):c.4096+15T>C

Genes: BRCA1 (BRCA1 DNA repair associated; minus strand), LOC126862571 (BRD4-independent group 4 enhancer GRCh37_chr17:41243136-41244335; plus strand). Cytogenetic location: 17q21.31.
Variant type: single nucleotide variant.
Coding change: c.4096+15T>C on transcript NM_007294.4 (MANE Select); 15 bases into the intron after coding-DNA position 4096, T replaced by C.
Molecular consequence: intron variant.
Genome position (GRCh38, 1-based): chr17:43,091,420, A>G on the plus strand (T>C on the coding strand, the complement: BRCA1 is on the minus strand). VCF-style: chr17-43091420-A-G. GRCh37 (hg19) VCF-style: chr17-41243437-A-G.
Other names: c.647-388T>C (NM_001408458.1, NM_001408469.1, NM_001408453.1 and 11 more transcripts); c.3208+15T>C (NM_001407967.1, NM_001407966.1); c.3715+15T>C (NM_001407959.1, NM_001407963.1, NM_001407960.1); c.3829+15T>C (NM_001407931.1, NM_001407932.1, NM_001407934.1 and 2 more transcripts); c.3952+15T>C (NM_001407747.1, NM_001407848.1, NM_001407839.1 and 20 more transcripts); c.3712+15T>C (NM_001407962.1); c.284-388T>C (NM_001408512.1); c.407-388T>C (NM_001408510.1); and 41 more.
Identifiers: ClinVar variation 628511 (VCV000628511.16), dbSNP rs1567788912, ClinGen allele CA10593734.
Genomic context (GRCh38, chr17:43,091,420, plus strand): 5'-GCTCCCCAAAAGCATAAACATTTAGCTCACTTCTATAAATAGACTGGGGCAAACACAAAA[A>G]CCTGGTTCCAATACCTAAGTTTGAATCCATGCTTTGCTCTTCTTGATTATTTTCTTCCAA-3'